The following is an entry in ClinVar:

NM_144498.4(OSBPL2):c.872+4G>T

Gene: OSBPL2 (oxysterol binding protein like 2; plus strand). Cytogenetic location: 20q13.33.
Variant type: single nucleotide variant.
Coding change: c.872+4G>T on transcript NM_144498.4 (MANE Select); 4 bases into the intron after coding-DNA position 872, G replaced by T.
Molecular consequence: intron variant.
Genome position (GRCh38, 1-based): chr20:62,281,883, G>T. VCF-style: chr20-62281883-G-T. GRCh37 (hg19) VCF-style: chr20-60856939-G-T.
Other names: c.596+4G>T (NM_001363878.2, NM_001278649.3); c.836+4G>T (NM_014835.5).
Identifiers: ClinVar variation 2692797 (VCV002692797.3), dbSNP rs2516544992, ClinGen allele CA2653631111.

ClinVar aggregate classification (germline): Uncertain significance (1 of 4 stars; one submission).

Submission:

Labcorp Genetics (formerly Invitae), Labcorp
Classification: Uncertain significance. Last evaluated: 2023-11-02. Review status: criteria provided, single submitter. Criteria: Invitae Variant Classification Sherloc (09022015). Collection method: clinical testing. Allele origin: germline.
Comment: This sequence change falls in intron 9 of the OSBPL2 gene. It does not directly change the encoded amino acid sequence of the OSBPL2 protein. It affects a nucleotide within the consensus splice site. This variant is not present in population databases (gnomAD no frequency). This variant has not been reported in the literature in individuals affected with OSBPL2-related conditions. Variants that disrupt the consensus splice site are a relatively common cause of aberrant splicing (PMID: 17576681, 9536098). Algorithms developed to predict the effect of sequence changes on RNA splicing suggest that this variant is not likely to affect RNA splicing. In summary, the available evidence is currently insufficient to determine the role of this variant in disease. Therefore, it has been classified as a Variant of Uncertain Significance.

Literature cited by the submitters: PubMed 17576681; PubMed 9536098.